The following is an entry in ClinVar:

ClinVar aggregate classification (germline): Uncertain significance. Review status: criteria provided, multiple submitters, no conflicts (2 of 4 stars). 2 submissions from 2 submitters: Uncertain significance (2). Last evaluated 2022-09-21.

Conditions:
Inborn genetic diseases. Identifiers: MedGen C0950123, MeSH D030342.

Submissions (2):

Ambry Genetics
Classification: Uncertain significance for Inborn genetic diseases. Last evaluated: 2022-09-21. Review status: criteria provided, single submitter. Criteria: Ambry Variant Classification Scheme 2023. Collection method: clinical testing. Allele origin: germline.
Comment: The p.R686P variant (also known as c.2057G>C), located in coding exon 22 of the ERCC2 gene, results from a G to C substitution at nucleotide position 2057. The arginine at codon 686 is replaced by proline, an amino acid with dissimilar properties. This amino acid position is conserved. In addition, this alteration is predicted to be deleterious by in silico analysis. Since supporting evidence is limited at this time, the clinical significance of this alteration remains unclear.

GeneDx
Classification: Uncertain significance. Last evaluated: 2022-02-25. Review status: criteria provided, single submitter. Criteria: GeneDx Variant Classification Process June 2021. Collection method: clinical testing. Allele origin: germline. Affected: yes.
Comment: Not observed at significant frequency in large population cohorts (gnomAD); In silico analysis supports that this missense variant has a deleterious effect on protein structure/function; Has not been previously published as pathogenic or benign to our knowledge

NM_000400.4(ERCC2):c.2057G>C (p.Arg686Pro)

Gene: ERCC2 (ERCC excision repair 2, TFIIH core complex helicase subunit; minus strand). Cytogenetic location: 19q13.32.
Variant type: single nucleotide variant.
Coding change: c.2057G>C on transcript NM_000400.4 (MANE Select); coding-DNA position 2057, G replaced by C.
Protein change: p.Arg686Pro; replaces arginine 686 with proline.
Molecular consequence: missense variant.
Genome position (GRCh38, 1-based): chr19:45,352,342, C>G on the plus strand (G>C on the coding strand, the complement: ERCC2 is on the minus strand). VCF-style: chr19-45352342-C-G. GRCh37 (hg19) VCF-style: chr19-45855600-C-G.
Other names: short protein forms R686P.
Identifiers: ClinVar variation 1703411 (VCV001703411.4), dbSNP rs557601608, ClinGen allele CA9512897.